The following is an entry in ClinVar:

NM_000751.3(CHRND):c.243+1G>A

Gene: CHRND (cholinergic receptor nicotinic delta subunit; plus strand). Cytogenetic location: 2q37.1.
Variant type: single nucleotide variant.
Coding change: c.243+1G>A on transcript NM_000751.3 (MANE Select); the canonical splice donor site of the intron after coding-DNA position 243, G replaced by A.
Molecular consequence: splice donor variant. On other transcripts: intron variant (1).
Genome position (GRCh38, 1-based): chr2:232,527,446, G>A. VCF-style: chr2-232527446-G-A. GRCh37 (hg19) VCF-style: chr2-233392156-G-A.
Other names: c.-29+1G>A (NM_001311195.2, NM_001311196.2); c.198+772G>A (NM_001256657.2).
Identifiers: ClinVar variation 1506763 (VCV001506763.8), dbSNP rs751237539, ClinGen allele CA2167952.

ClinVar aggregate classification (germline): Likely pathogenic (1 of 4 stars; one submission).

Conditions:
Lethal multiple pterygium syndrome (LMPS). Identifiers: Orphanet 33108, MedGen C1854678, MONDO:0009668, OMIM 253290.

Allele frequency attached by ClinVar (database versions not stated): ExAC 0.00001; gnomAD 0.00001; gnomAD exomes 0.00001 and 0.00002; TOPMed 0.00002.
gnomAD v4.1: 26 of 1,612,562 alleles (0.0016%); highest among the groups gnomAD compares: South Asian, 0.0066%; no homozygotes.

Submission:

Labcorp Genetics (formerly Invitae), Labcorp
Classification: Likely pathogenic for Lethal multiple pterygium syndrome. Last evaluated: 2022-08-23. Review status: criteria provided, single submitter. Criteria: Invitae Variant Classification Sherloc (09022015). Collection method: clinical testing. Allele origin: germline.
Comment: This variant has not been reported in the literature in individuals affected with CHRND-related conditions. ClinVar contains an entry for this variant (Variation ID: 1506763). Algorithms developed to predict the effect of sequence changes on RNA splicing suggest that this variant may disrupt the consensus splice site. In summary, the currently available evidence indicates that the variant is pathogenic, but additional data are needed to prove that conclusively. Therefore, this variant has been classified as Likely Pathogenic. This variant is present in population databases (rs751237539, gnomAD 0.002%). This sequence change affects a donor splice site in intron 3 of the CHRND gene. It is expected to disrupt RNA splicing. Variants that disrupt the donor or acceptor splice site typically lead to a loss of protein function (PMID: 16199547), and loss-of-function variants in CHRND are known to be pathogenic (PMID: 11435464, 25264167).

Literature cited by the submitters: PubMed 16199547; PubMed 11435464; PubMed 25264167.